The following is an entry in ClinVar:

ClinVar aggregate classification (germline): Uncertain significance (1 of 4 stars; one submission).

Allele frequency attached by ClinVar (database versions not stated): gnomAD exomes below 0.00001; TOPMed below 0.00001; ExAC 0.00001.

Submission:

Labcorp Genetics (formerly Invitae), Labcorp
Classification: Uncertain significance. Last evaluated: 2024-10-25. Review status: criteria provided, single submitter. Criteria: Invitae Variant Classification Sherloc (09022015). Collection method: clinical testing. Allele origin: germline.
Comment: This sequence change falls in intron 7 of the EXOSC2 gene. It does not directly change the encoded amino acid sequence of the EXOSC2 protein. It affects a nucleotide within the consensus splice site. This variant is present in population databases (rs750164021, gnomAD 0.003%). This variant has not been reported in the literature in individuals affected with EXOSC2-related conditions. ClinVar contains an entry for this variant (Variation ID: 2091037). Variants that disrupt the consensus splice site are a relatively common cause of aberrant splicing (PMID: 17576681, 9536098). Algorithms developed to predict the effect of sequence changes on RNA splicing suggest that this variant is not likely to affect RNA splicing. In summary, the available evidence is currently insufficient to determine the role of this variant in disease. Therefore, it has been classified as a Variant of Uncertain Significance.

Literature cited by the submitters: PubMed 17576681; PubMed 9536098.

NM_014285.7(EXOSC2):c.673-3T>C

Gene: EXOSC2 (exosome component 2; plus strand). Cytogenetic location: 9q34.12.
Variant type: single nucleotide variant.
Coding change: c.673-3T>C on transcript NM_014285.7 (MANE Select); 3 bases into the intron before coding-DNA position 673, T replaced by C.
Molecular consequence: intron variant.
Genome position (GRCh38, 1-based): chr9:130,703,050, T>C. VCF-style: chr9-130703050-T-C. GRCh37 (hg19) VCF-style: chr9-133578437-T-C.
Other names: c.595-3T>C (NM_001282708.1); c.583-3T>C (NM_001282709.1).
Identifiers: ClinVar variation 2091037 (VCV002091037.4), dbSNP rs750164021, ClinGen allele CA5284954.
Genomic context (GRCh38, chr9:130,703,050, plus strand): 5'-GTGGCTGGTCACGTATTTTGGTCCTGTTTGTATTTCCCTTCCCCTCTCTGTGTCTCCTTA[T>C]AGCCTGTCTCTCTTGCTGATCGAGAGGTGATATCCCGGCTTCGGAACTGCATCATCTCGC-3'